The following is an entry in ClinVar:

ClinVar aggregate classification (germline): Uncertain significance (1 of 4 stars; one submission).

Conditions:
Hereditary cancer-predisposing syndrome. Also called: Neoplastic Syndromes, Hereditary; Hereditary Cancer Syndrome; Hereditary neoplastic syndrome; Tumor predisposition. Identifiers: Orphanet 140162, MedGen C0027672, MeSH D009386, MONDO:0015356.

Submission:

Ambry Genetics
Classification: Uncertain significance for Hereditary cancer-predisposing syndrome. Last evaluated: 2023-06-10. Review status: criteria provided, single submitter. Criteria: Ambry Variant Classification Scheme 2023. Collection method: clinical testing. Allele origin: germline.
Comment: The p.G881E variant (also known as c.2642G>A), located in coding exon 25 of the RB1 gene, results from a G to A substitution at nucleotide position 2642. The glycine at codon 881 is replaced by glutamic acid, an amino acid with similar properties. This amino acid position is conserved. In addition, this alteration is predicted to be deleterious by in silico analysis. Since supporting evidence is limited at this time, the clinical significance of this alteration remains unclear.

NM_000321.3(RB1):c.2642G>A (p.Gly881Glu)

Gene: RB1 (RB transcriptional corepressor 1; plus strand). Cytogenetic location: 13q14.2.
Variant type: single nucleotide variant.
Coding change: c.2642G>A on transcript NM_000321.3 (MANE Select); coding-DNA position 2642, G replaced by A.
Protein change: p.Gly881Glu; replaces glycine 881 with glutamic acid.
Molecular consequence: missense variant.
Genome position (GRCh38, 1-based): chr13:48,476,822, G>A. VCF-style: chr13-48476822-G-A. GRCh37 (hg19) VCF-style: chr13-49050958-G-A.
Other names: c.2642G>A, p.Gly881Glu (NM_001407165.1); c.92G>A, p.Gly31Glu (NM_001407168.1); short protein forms G31E, G881E.
Identifiers: ClinVar variation 2565238 (VCV002565238.2), dbSNP rs1949507139, ClinGen allele CA388157585.
Genomic context (GRCh38, chr13:48,476,822, plus strand): 5'-GAAGTGCTGAAGGAAGCAACCCTCCTAAACCACTGAAAAAACTACGCTTTGATATTGAAG[G>A]ATCAGATGAAGCAGATGGAAGGTAGGAACCAGTTTTGAATGTTTTCCAGTAGCCGAGATG-3'
Protein context (NP_000312.2, residues 871-891): PLKKLRFDIE[Gly881Glu]SDEADGSKHL